The following is an entry in ClinVar:

ClinVar aggregate classification (germline): Pathogenic (1 of 4 stars; one submission).

Conditions:
Autosomal recessive limb-girdle muscular dystrophy type 2C (LGMDR5). Also called: MUSCULAR DYSTROPHY, DUCHENNE-LIKE; MUSCULAR DYSTROPHY, LIMB-GIRDLE, AUTOSOMAL RECESSIVE 5. Identifiers: Orphanet 353, MedGen C0410173, MONDO:0009677, OMIM 253700. Disease mechanism: Affects gamma-sarcoglycan and also disrupts the integrity of the entire sarcoglycan complex..

Submission:

Myriad Genetics, Inc.
Classification: Pathogenic for Autosomal recessive limb-girdle muscular dystrophy type 2C. Last evaluated: 2024-06-22. Review status: criteria provided, single submitter. Criteria: Myriad Autosomal Dominant, Autosomal Recessive and X-Linked Classification Criteria (2023). Collection method: clinical testing. Allele origin: unknown.
Comment: NM_000231.2(SGCG):c.214delT(C72Vfs*2) is expected to be pathogenic in the context of gamma-sarcoglycanopathy. This variant is predicted to lead to an abnormal or absent protein product due to the creation of a premature termination codon in SGCG, a gene where loss-of-function variants are known to be pathogenic. Please note: this variant was assessed in the context of healthy population screening.

NM_000231.3(SGCG):c.214del (p.Cys72fs)

Gene: SGCG (sarcoglycan gamma; plus strand). Cytogenetic location: 13q12.12.
Variant type: Deletion.
Coding change: c.214del on transcript NM_000231.3 (MANE Select); coding-DNA position 214, one base deleted (T; older notation c.214delT).
Protein change: p.Cys72fs; shifts the reading frame from cysteine 72.
Molecular consequence: frameshift variant.
Genome position (GRCh38, 1-based): chr13:23,234,629, T deleted. VCF-style (leftmost placement, unchanged base first): chr13-23234628-GT-G. GRCh37 (hg19) VCF-style: chr13-23808767-GT-G.
Other names: c.268del, p.Cys90fs (NM_001378244.1); c.214del, p.Cys72fs (NM_001378245.1, NM_001378246.1); short protein forms C72fs, C90fs.
Identifiers: ClinVar variation 5013218 (VCV005013218.1).